The following is an entry in ClinVar:

ClinVar aggregate classification (germline): Uncertain significance. Review status: criteria provided, multiple submitters, no conflicts (2 of 4 stars). 4 submissions from 4 submitters: Uncertain significance (4). Last evaluated 2024-03-06.

Conditions:
Juvenile polyposis syndrome (JPS). Identifiers: Orphanet 2929, MedGen C0345893, MONDO:0017380, OMIM 174900.
Hereditary cancer-predisposing syndrome. Also called: Tumor predisposition; Neoplastic Syndromes, Hereditary; Hereditary Cancer Syndrome; Hereditary neoplastic syndrome. Identifiers: Orphanet 140162, MedGen C0027672, MeSH D009386, MONDO:0015356.

Submissions (4):

Color Diagnostics, LLC DBA Color Health
Classification: Uncertain significance for Hereditary cancer-predisposing syndrome. Last evaluated: 2024-03-06. Review status: criteria provided, single submitter. Criteria: ACMG Guidelines, 2015. Collection method: clinical testing. Allele origin: germline.
Comment: This missense variant replaces glycine with serine at codon 298 of the BMPR1A protein. Computational prediction is inconclusive regarding the impact of this variant on protein structure and function (internally defined REVEL score threshold 0.5 < inconclusive < 0.7, PMID: 27666373). To our knowledge, functional studies have not been reported for this variant. This variant has not been reported in individuals affected with hereditary cancer in the literature. This variant has not been identified in the general population by the Genome Aggregation Database (gnomAD). The available evidence is insufficient to determine the role of this variant in disease conclusively. Therefore, this variant is classified as a Variant of Uncertain Significance.

Labcorp Genetics (formerly Invitae), Labcorp
Classification: Uncertain significance for Juvenile polyposis syndrome. Last evaluated: 2023-05-22. Review status: criteria provided, single submitter. Criteria: Invitae Variant Classification Sherloc (09022015). Collection method: clinical testing. Allele origin: germline.
Comment: In summary, the available evidence is currently insufficient to determine the role of this variant in disease. Therefore, it has been classified as a Variant of Uncertain Significance. Advanced modeling of protein sequence and biophysical properties (such as structural, functional, and spatial information, amino acid conservation, physicochemical variation, residue mobility, and thermodynamic stability) has been performed at Invitae for this missense variant, however the output from this modeling did not meet the statistical confidence thresholds required to predict the impact of this variant on BMPR1A protein function. ClinVar contains an entry for this variant (Variation ID: 619619). This variant has not been reported in the literature in individuals affected with BMPR1A-related conditions. This variant is not present in population databases (gnomAD no frequency). This sequence change replaces glycine, which is neutral and non-polar, with serine, which is neutral and polar, at codon 298 of the BMPR1A protein (p.Gly298Ser).

Ambry Genetics
Classification: Uncertain significance for Hereditary cancer-predisposing syndrome. Last evaluated: 2019-12-12. Review status: criteria provided, single submitter. Criteria: Ambry Variant Classification Scheme 2023. Collection method: clinical testing. Allele origin: germline.
Comment: The p.G298S variant (also known as c.892G>A), located in coding exon 8 of the BMPR1A gene, results from a G to A substitution at nucleotide position 892. The glycine at codon 298 is replaced by serine, an amino acid with similar properties. This amino acid position is highly conserved in available vertebrate species. In addition, this alteration is predicted to be deleterious by in silico analysis. Since supporting evidence is limited at this time, the clinical significance of this alteration remains unclear.

Quest Diagnostics Nichols Institute San Juan Capistrano
Classification: Uncertain significance. Last evaluated: 2017-11-24. Review status: criteria provided, single submitter. Criteria: Quest Diagnostics criteria. Collection method: clinical testing. Allele origin: germline.

NM_004329.3(BMPR1A):c.892G>A (p.Gly298Ser)

Gene: BMPR1A (bone morphogenetic protein receptor type 1A; plus strand). Cytogenetic location: 10q23.2.
Variant type: single nucleotide variant.
Coding change: c.892G>A on transcript NM_004329.3 (MANE Select); coding-DNA position 892, G replaced by A.
Protein change: p.Gly298Ser; replaces glycine 298 with serine.
Molecular consequence: missense variant.
Genome position (GRCh38, 1-based): chr10:86,919,195, G>A. VCF-style: chr10-86919195-G-A. GRCh37 (hg19) VCF-style: chr10-88678952-G-A.
Other names: short protein forms G298S.
Identifiers: ClinVar variation 619619 (VCV000619619.13), dbSNP rs1564724125, ClinGen allele CA377459886.
Genomic context (GRCh38, chr10:86,919,195, plus strand): 5'-GATGATAACTAACCTTTTAAACTCATCAACTGGACAGGTTTCATAGCGGCAGACATTAAA[G>A]GTACAGGTTCCTGGACTCAGCTCTATTTGATTACTGATTACCATGAAAATGGATCTCTCT-3'
Protein context (NP_004320.2, residues 288-308): ILGFIAADIK[Gly298Ser]TGSWTQLYLI